The following is an entry in ClinVar:

ClinVar aggregate classification (germline): Likely benign (0 of 4 stars; one submission).

Conditions:
KRT6A-related disorder. Also called: KRT6A-related condition.

Allele frequency attached by ClinVar (database versions not stated): 1000 Genomes Project 30x 0.04044.

Submission:

PreventionGenetics, part of Exact Sciences
Classification: Likely benign for KRT6A-related condition. Last evaluated: 2019-10-31. Review status: no assertion criteria provided. Collection method: clinical testing. Allele origin: germline.
Comment: This variant is classified as likely benign based on ACMG/AMP sequence variant interpretation guidelines (Richards et al. 2015 PMID: 25741868, with internal and published modifications).

NM_005554.4(KRT6A):c.687C>G (p.Val229=)

Gene: KRT6A (keratin 6A; minus strand). Cytogenetic location: 12q13.13.
Variant type: single nucleotide variant.
Coding change: c.687C>G on transcript NM_005554.4 (MANE Select); coding-DNA position 687, C replaced by G.
Protein change: p.Val229=; no amino-acid change (valine 229 retained).
Molecular consequence: synonymous variant.
Genome position (GRCh38, 1-based): chr12:52,491,590, G>C on the plus strand (C>G on the coding strand, the complement: KRT6A is on the minus strand). VCF-style: chr12-52491590-G-C. GRCh37 (hg19) VCF-style: chr12-52885374-G-C.
Identifiers: ClinVar variation 3037504 (VCV003037504.2), dbSNP rs201950477, ClinGen allele CA6582187.